The following is an entry in ClinVar:

ClinVar aggregate classification (germline): Uncertain significance (1 of 4 stars; one submission).

Submission:

GeneDx
Classification: Uncertain significance. Last evaluated: 2026-04-09. Review status: criteria provided, single submitter. Criteria: GeneDx Variant Classification Process June 2021. Collection method: clinical testing. Allele origin: germline.
Comment: Not observed at significant frequency in large population cohorts (gnomAD); In silico analysis suggests that this missense variant does not alter protein structure/function; Has not been previously published as pathogenic or benign to our knowledge

NM_030624.3(KLHL15):c.1019A>T (p.Asp340Val)

Gene: KLHL15 (kelch like family member 15; minus strand). Cytogenetic location: Xp22.11.
Variant type: single nucleotide variant.
Coding change: c.1019A>T on transcript NM_030624.3 (MANE Select); coding-DNA position 1019, A replaced by T.
Protein change: p.Asp340Val; replaces aspartic acid 340 with valine.
Molecular consequence: missense variant.
Genome position (GRCh38, 1-based): chrX:23,988,717, T>A on the plus strand (A>T on the coding strand, the complement: KLHL15 is on the minus strand). VCF-style: chrX-23988717-T-A. GRCh37 (hg19) VCF-style: chrX-24006834-T-A.
Other names: short protein forms D340V.
Identifiers: ClinVar variation 5018354 (VCV005018354.1).
Genomic context (GRCh38, chrX:23,988,717, plus strand): 5'-AGCCAGGAGTTCTGTCTCGGGTCATACCTGAATACTTTGGAAGAAGCATGGAATTCACCA[T>A]CCGGGCCCAGCTCTTCCCCGCCTAACAGGAACACAAAATTATTGACGATAGCAAGGCAGT-3'
Protein context (NP_085127.2, residues 330-350): FLLGGEELGP[Asp340Val]GEFHASSKVF